The following is an entry in ClinVar:

NM_001282684.2(KCTD17):c.760C>A (p.Pro254Thr)

Gene: KCTD17 (potassium channel tetramerization domain containing 17; plus strand). Cytogenetic location: 22q12.3.
Variant type: single nucleotide variant.
Coding change: c.760C>A on transcript NM_001282684.2 (MANE Select); coding-DNA position 760, C replaced by A.
Protein change: p.Pro254Thr; replaces proline 254 with threonine.
Molecular consequence: missense variant. On other transcripts: intron variant (3).
Genome position (GRCh38, 1-based): chr22:37,061,151, C>A. VCF-style: chr22-37061151-C-A. GRCh37 (hg19) VCF-style: chr22-37457191-C-A.
Other names: c.712+229C>A (NM_024681.4); c.613-388C>A (NM_001282685.2); c.613-1374C>A (NM_001282686.2); short protein forms P254T.
Identifiers: ClinVar variation 3242200 (VCV003242200.1), dbSNP rs1212178942.
Genomic context (GRCh38, chr22:37,061,151, plus strand): 5'-TTTCTCTTTGCAGCCCAGTCATCTCAGGATCCCGCTAACCTTTTCTCCCTCCCACCACTG[C>A]CTCCTCCTCCGCTTCCCGCTGGAGGTCCTGCCTCATCTTCATCCACCTCTTCTTCCTCCT-3'
Protein context (NP_001269613.2, residues 244-264): PANLFSLPPL[Pro254Thr]PPPLPAGGSR

ClinVar aggregate classification (germline): Uncertain significance (1 of 4 stars; one submission).

Conditions:
Myoclonic dystonia 26. Identifiers: MedGen C4225341, MONDO:0014620, OMIM 616398.

gnomAD v4.1: 10 of 1,551,224 alleles (0.00064%); highest among the groups gnomAD compares: South Asian, 0.012%; no homozygotes.

Submission:

Neuberg Centre For Genomic Medicine, NCGM
Classification: Uncertain significance for Myoclonic dystonia 26. Review status: criteria provided, single submitter. Criteria: ACMG Guidelines, 2015. Collection method: clinical testing. Allele origin: germline. Inheritance: Autosomal dominant inheritance. Affected: yes.
Comment: The missense c.781C>A(p.Pro261Thr) variant in KCTD17 gene has not been reported previously as a pathogenic variant nor as a benign variant, to our knowledge. This variant is present with an allele frequency of 0.002% in gnomAD Exomes. This variant has not been submitted to the ClinVar database. The amino acid change p.Pro261Thr in KCTD17 is predicted as conserved by GERP++ and PhyloP across 100 vertebrates. The amino acid Pro at position 261 is changed to a Thr changing protein sequence and it might alter its composition and physico-chemical properties. For these reasons, this variant has been classified as Variant of Uncertain Significance (VUS).